The following is an entry in ClinVar:

NM_032242.4(PLXNA1):c.4613C>T (p.Ala1538Val)

Gene: PLXNA1 (plexin A1; plus strand). Cytogenetic location: 3q21.3.
Variant type: single nucleotide variant.
Coding change: c.4613C>T on transcript NM_032242.4 (MANE Select); coding-DNA position 4613, C replaced by T.
Protein change: p.Ala1538Val; replaces alanine 1538 with valine.
Molecular consequence: missense variant.
Genome position (GRCh38, 1-based): chr3:127,028,284, C>T. VCF-style: chr3-127028284-C-T. GRCh37 (hg19) VCF-style: chr3-126747127-C-T.
Other names: short protein forms A1538V.
Identifiers: ClinVar variation 2633854 (VCV002633854.2), dbSNP rs2472560623, ClinGen allele CA354399763.

ClinVar aggregate classification (germline): Uncertain significance (1 of 4 stars; one submission).

Conditions:
PLXNA1-related disorder. Also called: PLXNA1-related condition.

Submission:

PreventionGenetics, part of Exact Sciences
Classification: Uncertain significance for PLXNA1-related condition. Last evaluated: 2026-02-27. Review status: criteria provided, single submitter. Criteria: ACMG Guidelines, 2015. Collection method: clinical testing. Allele origin: germline.
Comment: The PLXNA1 c.4613C>T variant is predicted to result in the amino acid substitution p.Ala1538Val. To our knowledge, this variant has not been reported in the literature or in a large population database, indicating this variant is rare. At this time, the clinical significance of this variant is uncertain due to the absence of conclusive functional and genetic evidence.